The following is an entry in ClinVar:

NM_000179.3(MSH6):c.979del (p.Thr327fs)

Gene: MSH6 (mutS homolog 6; plus strand). Cytogenetic location: 2p16.3.
Variant type: Deletion.
Coding change: c.979del on transcript NM_000179.3 (MANE Select); coding-DNA position 979, one base deleted (A; older notation c.979delA).
Protein change: p.Thr327fs; shifts the reading frame from threonine 327.
Molecular consequence: frameshift variant.
Genome position (GRCh38, 1-based): chr2:47,798,962, A deleted; the last of 2 consecutive A bases (chr2:47,798,961-47,798,962); deleting either gives the same sequence. VCF-style (leftmost placement, unchanged base first): chr2-47798960-CA-C. GRCh37 (hg19) VCF-style: chr2-48026099-CA-C.
Other names: c.589del, p.Thr197fs (NM_001281492.2); c.73del, p.Thr25fs (NM_001281493.2, NM_001281494.2); short protein forms T197fs, T25fs, T327fs.
Identifiers: ClinVar variation 1071300 (VCV001071300.10), dbSNP rs1032784747, ClinGen allele CA46707178.
Genomic context (GRCh38, chr2:47,798,960, plus strand): 5'-GAAATGGCTCTCTTAAAAGGAAAAGCTCTAGGAAGGAAACGCCCTCAGCCACCAAACAAG[CA>C]ACTAGCATTTCATCAGAAACCAAGAATACTTTGAGAGCTTTCTCTGCCCCTCAAAATTCT-3'

ClinVar aggregate classification (germline): Pathogenic. Review status: criteria provided, multiple submitters, no conflicts (2 of 4 stars). 2 submissions from 2 submitters: Pathogenic (2). Last evaluated 2026-06-04.

Conditions:
Hereditary nonpolyposis colorectal neoplasms. Identifiers: MedGen C0009405, MeSH D003123.
Lynch syndrome 5 (LYNCH5). Also called: Hereditary non-polyposis colorectal cancer, type 5; Colorectal cancer, hereditary nonpolyposis, type 5. Identifiers: Orphanet 144, MedGen C1833477, MONDO:0013710, OMIM 614350. Disease mechanism: loss of function.

Submissions (2):

Myriad Genetics, Inc.
Classification: Pathogenic for Lynch syndrome 5. Last evaluated: 2026-06-04. Review status: criteria provided, single submitter. Criteria: Myriad Autosomal Dominant, Autosomal Recessive and X-Linked Classification Criteria (2023). Collection method: clinical testing. Allele origin: unknown.
Comment: This variant is considered pathogenic. This variant creates a frameshift predicted to result in premature protein truncation.

Labcorp Genetics (formerly Invitae), Labcorp
Classification: Pathogenic for Hereditary nonpolyposis colorectal neoplasms. Last evaluated: 2024-02-12. Review status: criteria provided, single submitter. Criteria: Invitae Variant Classification Sherloc (09022015). Collection method: clinical testing. Allele origin: germline.
Comment: This sequence change creates a premature translational stop signal (p.Thr327Leufs*11) in the MSH6 gene. It is expected to result in an absent or disrupted protein product. Loss-of-function variants in MSH6 are known to be pathogenic (PMID: 18269114, 24362816). This variant is not present in population databases (gnomAD no frequency). This premature translational stop signal has been observed in individual(s) with clinical features of Lynch syndrome (PMID: 27064304). ClinVar contains an entry for this variant (Variation ID: 1071300). For these reasons, this variant has been classified as Pathogenic.

Literature cited by the submitters: PubMed 18269114 (cited by Labcorp Genetics (formerly Invitae), Labcorp); PubMed 24362816 (cited by Labcorp Genetics (formerly Invitae), Labcorp); PubMed 27064304 (cited by Labcorp Genetics (formerly Invitae), Labcorp).